The following is an entry in ClinVar:

NM_015512.5(DNAH1):c.10763C>G (p.Ser3588Cys)

Gene: DNAH1 (dynein axonemal heavy chain 1; plus strand). Cytogenetic location: 3p21.1.
Variant type: single nucleotide variant.
Coding change: c.10763C>G on transcript NM_015512.5 (MANE Select); coding-DNA position 10763, C replaced by G.
Protein change: p.Ser3588Cys; replaces serine 3588 with cysteine.
Molecular consequence: missense variant.
Genome position (GRCh38, 1-based): chr3:52,394,601, C>G. VCF-style: chr3-52394601-C-G. GRCh37 (hg19) VCF-style: chr3-52428617-C-G.
Other names: short protein forms S3588C.
Identifiers: ClinVar variation 941291 (VCV000941291.4), dbSNP rs138604187, ClinGen allele CA2435939.
Genomic context (GRCh38, chr3:52,394,601, plus strand): 5'-ACCGGGCTTGGCGAGACATCCTAGCACTCTCGAACCTGCCAACCTTTTCCTCCTTCTCTT[C>G]CGACTTCGTGAAGCACCTCTCAGAATTCCGGGTCATCTTCGACAGCCTTGAGCCCCACCG-3'
Protein context (NP_056327.4, residues 3578-3598): SNLPTFSSFS[Ser3588Cys]DFVKHLSEFR

ClinVar aggregate classification (germline): Uncertain significance (1 of 4 stars; one submission).

Conditions:
Spermatogenic failure 18. Identifiers: MedGen C4539783, MONDO:0054615, OMIM 617576.
Ciliary dyskinesia, primary, 37 (CILD37). Also called: CILIARY DYSKINESIA, PRIMARY, 37, WITH OR WITHOUT SITUS INVERSUS. Identifiers: MedGen C4539798, MONDO:0033204, OMIM 617577.

Allele frequency attached by ClinVar (database versions not stated): gnomAD exomes below 0.00001 and 0.00002; ExAC 0.00001; gnomAD 0.00001; TOPMed 0.00005; 1000 Genomes Project 30x 0.00016; 1000 Genomes Project 0.00020.
gnomAD v4.1: 11 of 1,606,568 alleles (0.00068%); highest among the groups gnomAD compares: Admixed American, 0.0067%; no homozygotes.

Submission:

Labcorp Genetics (formerly Invitae), Labcorp
Classification: Uncertain significance for Ciliary dyskinesia, primary, 37; Spermatogenic failure 18. Last evaluated: 2022-07-19. Review status: criteria provided, single submitter. Criteria: Invitae Variant Classification Sherloc (09022015). Collection method: clinical testing. Allele origin: germline.
Comment: This sequence change replaces serine, which is neutral and polar, with cysteine, which is neutral and slightly polar, at codon 3588 of the DNAH1 protein (p.Ser3588Cys). This variant is present in population databases (rs138604187, gnomAD 0.01%). This variant has not been reported in the literature in individuals affected with DNAH1-related conditions. ClinVar contains an entry for this variant (Variation ID: 941291). Algorithms developed to predict the effect of missense changes on protein structure and function are either unavailable or do not agree on the potential impact of this missense change (SIFT: "Deleterious"; PolyPhen-2: "Possibly Damaging"; Align-GVGD: "Class C0"). In summary, the available evidence is currently insufficient to determine the role of this variant in disease. Therefore, it has been classified as a Variant of Uncertain Significance.